The following is an entry in ClinVar:

ClinVar aggregate classification (germline): Conflicting classifications of pathogenicity. Review status: criteria provided, conflicting classifications (1 of 4 stars). 2 submissions from 2 submitters: Pathogenic (1); Uncertain significance (1). Last evaluated 2025-08-11.

Allele frequency attached by ClinVar (database versions not stated): gnomAD exomes 0.00002 and 0.00005; gnomAD 0.00002 and 0.00003; TOPMed 0.00004.

Submissions (2):

Mayo Clinic Laboratories, Mayo Clinic
Classification: Pathogenic. Last evaluated: 2025-08-11. Review status: criteria provided, single submitter. Criteria: ACMG Guidelines, 2015. Collection method: clinical testing. Allele origin: germline. Observed: 1 variant allele.
Comment: PP3, PM2_supporting, PS3, PS4

Eurofins Ntd Llc (ga)
Classification: Uncertain significance. Last evaluated: 2016-12-09. Review status: criteria provided, single submitter. Criteria: EGL Classification Definitions 2015. Collection method: clinical testing. Allele origin: germline. Observed: 1 variant allele, 1 heterozygote.

Literature cited by the submitters: PubMed 22944127 (cited by Mayo Clinic Laboratories, Mayo Clinic); PubMed 27703146 (cited by Mayo Clinic Laboratories, Mayo Clinic); PubMed 31680443 (cited by Mayo Clinic Laboratories, Mayo Clinic); PubMed 32355288 (cited by Mayo Clinic Laboratories, Mayo Clinic); PubMed 33537542 (cited by Mayo Clinic Laboratories, Mayo Clinic); PubMed 35627118 (cited by Mayo Clinic Laboratories, Mayo Clinic); PubMed 37647632 (cited by Mayo Clinic Laboratories, Mayo Clinic); PubMed 38015884 (cited by Mayo Clinic Laboratories, Mayo Clinic); PubMed 7865674 (cited by Mayo Clinic Laboratories, Mayo Clinic).

NM_000312.4(PROC):c.1174G>A (p.Gly392Arg)

Gene: PROC (protein C, inactivator of coagulation factors Va and VIIIa; plus strand). Cytogenetic location: 2q14.3.
Variant type: single nucleotide variant.
Coding change: c.1174G>A on transcript NM_000312.4 (MANE Select); coding-DNA position 1174, G replaced by A.
Protein change: p.Gly392Arg; replaces glycine 392 with arginine.
Molecular consequence: missense variant.
Genome position (GRCh38, 1-based): chr2:127,428,734, G>A. VCF-style: chr2-127428734-G-A. GRCh37 (hg19) VCF-style: chr2-128186310-G-A.
Other names: p.Gly392Arg; c.1357G>A, p.Gly453Arg (NM_001375602.1); c.1339G>A, p.Gly447Arg (NM_001375603.1); c.1237G>A, p.Gly413Arg (NM_001375604.1); c.1276G>A, p.Gly426Arg (NM_001375605.1); c.1342G>A, p.Gly448Arg (NM_001375606.1); c.1360G>A, p.Gly454Arg (NM_001375607.1); c.1117G>A, p.Gly373Arg (NM_001375608.1); and 4 more; short protein forms G392R, G373R, G384R, G390R, G413R, G426R, G447R, G448R.
Identifiers: ClinVar variation 499054 (VCV000499054.6), dbSNP rs756467027, ClinGen allele CA1859537.